The following is an entry in ClinVar:

ClinVar aggregate classification (germline): Uncertain significance (1 of 4 stars; one submission).

Conditions:
Werner syndrome (WRN). Identifiers: Orphanet 902, MedGen C0043119, MONDO:0010196, OMIM 277700.

Submission:

Labcorp Genetics (formerly Invitae), Labcorp
Classification: Uncertain significance for Werner syndrome. Last evaluated: 2021-08-29. Review status: criteria provided, single submitter. Criteria: Invitae Variant Classification Sherloc (09022015). Collection method: clinical testing. Allele origin: germline.
Comment: This sequence change replaces arginine with leucine at codon 999 of the WRN protein (p.Arg999Leu). The arginine residue is moderately conserved and there is a moderate physicochemical difference between arginine and leucine. This variant is not present in population databases (ExAC no frequency). This variant has not been reported in the literature in individuals with WRN-related conditions. Algorithms developed to predict the effect of missense changes on protein structure and function are either unavailable or do not agree on the potential impact of this missense change (SIFT: "Tolerated"; PolyPhen-2: "Probably Damaging"; Align-GVGD: "Class C0"). In summary, the available evidence is currently insufficient to determine the role of this variant in disease. Therefore, it has been classified as a Variant of Uncertain Significance.

NM_000553.6(WRN):c.2996G>T (p.Arg999Leu)

Gene: WRN (WRN RecQ like helicase; plus strand). Cytogenetic location: 8p12.
Variant type: single nucleotide variant.
Coding change: c.2996G>T on transcript NM_000553.6 (MANE Select); coding-DNA position 2996, G replaced by T.
Protein change: p.Arg999Leu; replaces arginine 999 with leucine.
Molecular consequence: missense variant.
Genome position (GRCh38, 1-based): chr8:31,141,458, G>T. VCF-style: chr8-31141458-G-T. GRCh37 (hg19) VCF-style: chr8-30998974-G-T.
Other names: short protein forms R999L.
Identifiers: ClinVar variation 1445977 (VCV001445977.6), dbSNP rs769665299, ClinGen allele CA370921766.
Genomic context (GRCh38, chr8:31,141,458, plus strand): 5'-TTTTTAGATACTGATTTTATTCCTAATTTCAGAATTCTCAGCGTCTTGCCGATCAATATC[G>T]CAGGCACAGTTTATTTGGCACTGGCAAGGATCAAACAGAGAGTTGGTGGAAGGCTTTTTC-3'
Protein context (NP_000544.2, residues 989-1009): SNSQRLADQY[Arg999Leu]RHSLFGTGKD